The following is an entry in ClinVar:

ClinVar aggregate classification (germline): Benign/Likely benign. Review status: criteria provided, multiple submitters, no conflicts (2 of 4 stars). 4 submissions from 4 submitters: Benign (1); Likely benign (3). Last evaluated 2025-02-20.

Conditions:
Hereditary cancer-predisposing syndrome. Also called: Neoplastic Syndromes, Hereditary; Hereditary neoplastic syndrome; Tumor predisposition; Hereditary Cancer Syndrome. Identifiers: Orphanet 140162, MedGen C0027672, MeSH D009386, MONDO:0015356.
Breast-ovarian cancer, familial, susceptibility to, 4. Identifiers: Orphanet 145, MedGen C3280345, MONDO:0013669, OMIM 614291.

gnomAD v4.1: 1 of 1,614,188 alleles (0.000062%); highest among the groups gnomAD compares: Admixed American, 0.0017%; no homozygotes.

Submissions (4):

Myriad Genetics, Inc.
Classification: Benign for Breast-ovarian cancer, familial, susceptibility to, 4. Last evaluated: 2025-02-20. Review status: criteria provided, single submitter. Criteria: Myriad Autosomal Dominant, Autosomal Recessive and X-Linked Classification Criteria (2023). Collection method: clinical testing. Allele origin: unknown.
Comment: This variant is considered benign. This variant is a silent/synonymous amino acid change and it is not expected to impact splicing.

Labcorp Genetics (formerly Invitae), Labcorp
Classification: Likely benign for Breast-ovarian cancer, familial, susceptibility to, 4. Last evaluated: 2023-10-03. Review status: criteria provided, single submitter. Criteria: Invitae Variant Classification Sherloc (09022015). Collection method: clinical testing. Allele origin: germline.

Ambry Genetics
Classification: Likely benign for Hereditary cancer-predisposing syndrome. Last evaluated: 2022-02-17. Review status: criteria provided, single submitter. Criteria: Ambry Variant Classification Scheme 2023. Collection method: clinical testing. Allele origin: germline.

Color Diagnostics, LLC DBA Color Health
Classification: Likely benign for Hereditary cancer-predisposing syndrome. Last evaluated: 2019-05-08. Review status: criteria provided, single submitter. Criteria: ACMG Guidelines, 2015. Collection method: clinical testing. Allele origin: germline.

NM_002878.4(RAD51D):c.195C>G (p.Pro65=)

Genes: RAD51L3-RFFL (RAD51L3-RFFL readthrough; minus strand), RAD51D (RAD51 paralog D; minus strand). Cytogenetic location: 17q12.
Variant type: single nucleotide variant.
Coding change: c.195C>G on transcript NM_002878.4 (MANE Select); coding-DNA position 195, C replaced by G.
Protein change: p.Pro65=; no amino-acid change (proline 65 retained).
Molecular consequence: synonymous variant. On other transcripts: intron variant (2).
Genome position (GRCh38, 1-based): chr17:35,118,569, G>C on the plus strand (C>G on the coding strand, the complement: RAD51D is on the minus strand). VCF-style: chr17-35118569-G-C. GRCh37 (hg19) VCF-style: chr17-33445588-G-C.
Other names: c.144+542C>G (NM_133629.3, NM_001142571.2).
Identifiers: ClinVar variation 239392 (VCV000239392.12), dbSNP rs376616485, ClinGen allele CA10583537.
Genomic context (GRCh38, chr17:35,118,569, plus strand): 5'-GCCAGTGGACAGGATGGCAGTGGAGGTCTTCAGTTCCTCGTAGAGATCAGCGCCATTCAC[G>C]GGGAAAGCCGAGAACTGAGCCAGCAGCACCCGCCTCAGGGCAACCAGGGCCTGCCAAAGG-3'
Protein context (NP_002869.3, residues 55-75): RVLLAQFSAF[Pro65=]VNGADLYEEL